The following is an entry in ClinVar:

NM_020975.6(RET):c.1626G>A (p.Glu542=)

Gene: RET (ret proto-oncogene; plus strand). Cytogenetic location: 10q11.21.
Variant type: single nucleotide variant.
Coding change: c.1626G>A on transcript NM_020975.6 (MANE Select); coding-DNA position 1626, G replaced by A.
Protein change: p.Glu542=; no amino-acid change (glutamic acid 542 retained).
Molecular consequence: synonymous variant.
Genome position (GRCh38, 1-based): chr10:43,112,202, G>A. VCF-style: chr10-43112202-G-A. GRCh37 (hg19) VCF-style: chr10-43607650-G-A.
Other names: c.1626G>A, p.Glu542= (NM_000323.2, NM_001406743.1, NM_001406744.1 and 6 more transcripts); c.864G>A, p.Glu288= (NM_001355216.2); c.1497G>A, p.Glu499= (NM_001406761.1, NM_001406762.1, NM_001406764.1 and 1 more transcripts); c.1338G>A, p.Glu446= (NM_001406766.1, NM_001406767.1, NM_001406770.1); c.1230G>A, p.Glu410= (NM_001406769.1, NM_001406772.1); c.1188G>A, p.Glu396= (NM_001406771.1, NM_001406773.1); c.1101G>A, p.Glu367= (NM_001406774.1); c.900G>A, p.Glu300= (NM_001406775.1, NM_001406776.1, NM_001406777.1 and 1 more transcripts); and 5 more.
Identifiers: ClinVar variation 2191765 (VCV002191765.5), dbSNP rs2538460814, ClinGen allele CA469027671.

ClinVar aggregate classification (germline): Likely benign. Review status: criteria provided, multiple submitters, no conflicts (2 of 4 stars). 2 submissions from 2 submitters: Likely benign (2). Last evaluated 2023-09-17.

Conditions:
Multiple endocrine neoplasia, type 2 (MEN2). Identifiers: Orphanet 653, MedGen C4048306, MONDO:0019003. Disease mechanism: gain of function.

Submissions (2):

All of Us Research Program, National Institutes of Health
Classification: Likely benign for Multiple endocrine neoplasia, type 2. Last evaluated: 2023-09-17. Review status: criteria provided, single submitter. Criteria: ACMG Guidelines, 2015. Collection method: clinical testing. Allele origin: germline. Inheritance: Autosomal dominant inheritance. Observed: 1 variant allele, 1 heterozygote.
Comment: This study involves interpretation of variants in research participants for the purpose of population health screening. Participant phenotype was not available at the time of variant classification. Additional details can be found in publication PMID: 35346344, PMCID: PMC8962531

Labcorp Genetics (formerly Invitae), Labcorp
Classification: Likely benign for Multiple endocrine neoplasia, type 2. Last evaluated: 2022-03-12. Review status: criteria provided, single submitter. Criteria: Invitae Variant Classification Sherloc (09022015). Collection method: clinical testing. Allele origin: germline.